The following is an entry in ClinVar:

NM_001042492.3(NF1):c.1722-11T>A

Gene: NF1 (neurofibromin 1; plus strand). Cytogenetic location: 17q11.2.
Variant type: single nucleotide variant.
Coding change: c.1722-11T>A on transcript NM_001042492.3 (MANE Select); 11 bases into the intron before coding-DNA position 1722, T replaced by A.
Molecular consequence: intron variant.
Genome position (GRCh38, 1-based): chr17:31,223,433, T>A. VCF-style: chr17-31223433-T-A. GRCh37 (hg19) VCF-style: chr17-29550451-T-A.
Other names: c.1722-11T>A (NM_000267.4).
Identifiers: ClinVar variation 1458324 (VCV001458324.9), dbSNP rs2066961306, ClinGen allele CA2573153229.
Genomic context (GRCh38, chr17:31,223,433, plus strand): 5'-TTCTTATGTCTGGTTATATCTGCATTAGGTTATTGATGATGCTAGTAACAATGAACTTTA[T>A]GTTACTGCAGCTCACAAATGCTTTTTTACATCTGCAAGAAATTAACTAGTCATCAAATGC-3'

ClinVar aggregate classification (germline): Pathogenic/Likely pathogenic. Review status: criteria provided, multiple submitters, no conflicts (2 of 4 stars). 2 submissions from 2 submitters: Pathogenic (1); Likely pathogenic (1). Last evaluated 2024-12-04.

Conditions:
Neurofibromatosis, type 1 (NF1). Also called: Neurofibromatosis, type I; VON RECKLINGHAUSEN DISEASE; NEUROFIBROMATOSIS, TYPE I, SOMATIC; Peripheral type neurofibromatosis. Identifiers: Orphanet 636, MedGen C0027831, MONDO:0018975, OMIM 162200. Disease mechanism: loss of function.
Cardiovascular phenotype. Identifiers: MedGen CN230736.
Hereditary cancer-predisposing syndrome. Also called: Hereditary Cancer Syndrome; Hereditary neoplastic syndrome; Tumor predisposition; Neoplastic Syndromes, Hereditary. Identifiers: Orphanet 140162, MedGen C0027672, MeSH D009386, MONDO:0015356.

Submissions (2):

Ambry Genetics
Classification: Likely pathogenic for Cardiovascular phenotype; Hereditary cancer-predisposing syndrome. Last evaluated: 2024-12-04. Review status: criteria provided, single submitter. Criteria: Ambry Variant Classification Scheme 2023. Collection method: clinical testing. Allele origin: germline.
Comment: The c.1722-11T>A intronic variant results from a T to A substitution 11 nucleotides upstream from coding exon 16 in the NF1 gene. This variant was reported in individual(s) with features consistent with neurofibromatosis type 1 (Cal&igrave; F et al. Eur J Med Genet, 2017 Feb;60:93-99; external communication). This nucleotide position is highly conserved in available vertebrate species. In silico splice site analysis predicts that this alteration will weaken the native splice acceptor site; however, direct evidence is insufficient at this time (Ambry internal data). Minigene RNA functional studies demonstrated this variant results in abnormal splicing (Wimmer K et al. Hum Mutat, 2020 Jun;41:1145-1156). This variant is considered to be rare based on population cohorts in the Genome Aggregation Database (gnomAD). Based on the majority of available evidence to date, this variant is likely to be pathogenic.

Labcorp Genetics (formerly Invitae), Labcorp
Classification: Pathogenic for Neurofibromatosis, type 1. Last evaluated: 2024-08-17. Review status: criteria provided, single submitter. Criteria: Invitae Variant Classification Sherloc (09022015). Collection method: clinical testing. Allele origin: germline.
Comment: This sequence change falls in intron 15 of the NF1 gene. It does not directly change the encoded amino acid sequence of the NF1 protein. This variant is not present in population databases (gnomAD no frequency). This variant has been observed in individual(s) with neurofibromatosis (PMID: 27838393; Invitae). ClinVar contains an entry for this variant (Variation ID: 1458324). Studies have shown that this variant alters mRNA splicing and is expected to lead to the loss of protein expression (PMID: 32126153). This variant disrupts the c.1722-11T nucleotide in the NF1 gene. Other variant(s) that disrupt this nucleotide have been determined to be pathogenic (Invitae). This suggests that this nucleotide is clinically significant, and that variants that disrupt this position are likely to be disease-causing. For these reasons, this variant has been classified as Pathogenic.

Literature cited by the submitters: PubMed 27838393 (cited by Ambry Genetics and Labcorp Genetics (formerly Invitae), Labcorp); PubMed 32126153 (cited by Ambry Genetics and Labcorp Genetics (formerly Invitae), Labcorp).